The following is an entry in ClinVar:

NC_000014.8:g.(?_51379727)_(51387805_?)dup

Gene: PYGL (glycogen phosphorylase L; minus strand). Cytogenetic location: 14q22.1.
Variant type: Duplication.
Identifiers: ClinVar variation 1470510 (VCV001470510.5).

ClinVar aggregate classification (germline): Uncertain significance (1 of 4 stars; one submission).

Conditions:
Glycogen storage disease, type VI (GSD6). Also called: HERS DISEASE; PHOSPHORYLASE DEFICIENCY GLYCOGEN-STORAGE DISEASE OF LIVER; Glycogen storage disease type 6; Hepatic glycogen phosphorylase deficiency; Glycogen storage disease type 6, due to phosphorylation; GSD VI. Identifiers: Orphanet 369, MedGen C0017925, MONDO:0009294, OMIM 232700.

Submission:

Labcorp Genetics (formerly Invitae), Labcorp
Classification: Uncertain significance for Glycogen storage disease, type VI. Last evaluated: 2023-07-11. Review status: criteria provided, single submitter. Criteria: Invitae Variant Classification Sherloc (09022015). Collection method: clinical testing. Allele origin: germline.
Comment: In summary, the available evidence is currently insufficient to determine the role of this variant in disease. Therefore, it has been classified as a Variant of Uncertain Significance. Experimental studies and prediction algorithms are not available or were not evaluated, and the functional significance of this variant is currently unknown. A similar copy number variant has been observed in individual(s) with glycogen storage disease type VI (Invitae). This variant results in a copy number gain of the genomic region encompassing exon(s) 6-13 of the PYGL gene. While the exact position of this variant cannot be determined from the data, sub-genic copy number gains are generally in tandem (PMID: 25640679). This variant is predicted to be in-frame, and likely preserves the integrity of the reading frame.

Literature cited by the submitters: PubMed 25640679.